The following is an entry in ClinVar:

ClinVar aggregate classification (germline): Uncertain significance (1 of 4 stars; one submission).

Submission:

Labcorp Genetics (formerly Invitae), Labcorp
Classification: Uncertain significance. Last evaluated: 2025-04-28. Review status: criteria provided, single submitter. Criteria: Invitae Variant Classification Sherloc (09022015). Collection method: clinical testing. Allele origin: germline.
Comment: This sequence change replaces glycine, which is neutral and non-polar, with arginine, which is basic and polar, at codon 573 of the DVL1 protein (p.Gly573Arg). This variant is not present in population databases (gnomAD no frequency). This variant has not been reported in the literature in individuals affected with DVL1-related conditions. ClinVar contains an entry for this variant (Variation ID: 3626908). Invitae Evidence Modeling of protein sequence and biophysical properties (such as structural, functional, and spatial information, amino acid conservation, physicochemical variation, residue mobility, and thermodynamic stability) indicates that this missense variant is not expected to disrupt DVL1 protein function with a negative predictive value of 80%. In summary, the available evidence is currently insufficient to determine the role of this variant in disease. Therefore, it has been classified as a Variant of Uncertain Significance.

NM_001330311.2(DVL1):c.1792G>A (p.Gly598Arg)

Gene: DVL1 (dishevelled segment polarity protein 1; minus strand). Cytogenetic location: 1p36.33.
Variant type: single nucleotide variant.
Coding change: c.1792G>A on transcript NM_001330311.2 (MANE Select); coding-DNA position 1792, G replaced by A.
Protein change: p.Gly598Arg; replaces glycine 598 with arginine.
Molecular consequence: missense variant.
Genome position (GRCh38, 1-based): chr1:1,336,438, C>T on the plus strand (G>A on the coding strand, the complement: DVL1 is on the minus strand). VCF-style: chr1-1336438-C-T. GRCh37 (hg19) VCF-style: chr1-1271818-C-T.
Other names: c.1717G>A, p.Gly573Arg (NM_004421.3); short protein forms G573R, G598R.
Identifiers: ClinVar variation 3626908 (VCV003626908.2).
Genomic context (GRCh38, chr1:1,336,438, plus strand): 5'-CTCGCCAGCTGCTCCCCACCCCACTCGGTGCCGTGTGATCCGATTCACTGCCACTGCCCC[C>T]AGCTCCCGCCGCCCGACGCTCCTTCTCACGGCCCGGGGCCCGGCGGCTGCTCCGGGTGGA-3'
Protein context (NP_001317240.1, residues 588-608): REKERRAAGA[Gly598Arg]GSGSESDHTA